The following is an entry in ClinVar:

NM_181426.2(CCDC39):c.930+12C>G

Gene: CCDC39 (coiled-coil domain 39 molecular ruler complex subunit; minus strand). Cytogenetic location: 3q26.33.
Variant type: single nucleotide variant.
Coding change: c.930+12C>G on transcript NM_181426.2 (MANE Select); 12 bases into the intron after coding-DNA position 930, C replaced by G.
Molecular consequence: intron variant.
Genome position (GRCh38, 1-based): chr3:180,654,750, G>C on the plus strand (C>G on the coding strand, the complement: CCDC39 is on the minus strand). VCF-style: chr3-180654750-G-C. GRCh37 (hg19) VCF-style: chr3-180372538-G-C.
Identifiers: ClinVar variation 262978 (VCV000262978.20), dbSNP rs1401333, ClinGen allele CA2716053.

ClinVar aggregate classification (germline): Benign. Review status: criteria provided, multiple submitters, no conflicts (2 of 4 stars). 6 submissions from 6 submitters: Benign (6). Last evaluated 2026-02-02.

Conditions:
Primary ciliary dyskinesia. Also called: Ciliary dyskinesia. Identifiers: Orphanet 244, MedGen C0008780, MONDO:0016575, HP:0012265.
Primary ciliary dyskinesia 14. Also called: CILIARY DYSKINESIA, PRIMARY, 14, WITH OR WITHOUT SITUS INVERSUS. Identifiers: Orphanet 244, MedGen C3151136, MONDO:0013434, OMIM 613807.

Allele frequency attached by ClinVar (database versions not stated): ESP Exome Variant Server 0.00008; gnomAD 0.00338 and 0.00356; TOPMed 0.00550; 1000 Genomes Project 0.00639; 1000 Genomes Project 30x 0.00656; ExAC 0.00695; gnomAD exomes 0.00847.
gnomAD v4.1: 3,107 of 1,575,212 alleles (0.2%); highest among the groups gnomAD compares: Admixed American, 5.2%; 114 homozygotes.

Submissions (6):

Labcorp Genetics (formerly Invitae), Labcorp
Classification: Benign for Primary ciliary dyskinesia. Last evaluated: 2026-02-02. Review status: criteria provided, single submitter. Criteria: Invitae Variant Classification Sherloc (09022015). Collection method: clinical testing. Allele origin: germline.

ARUP Laboratories, Molecular Genetics and Genomics, ARUP Laboratories
Classification: Benign for Primary ciliary dyskinesia 14. Last evaluated: 2025-06-25. Review status: criteria provided, single submitter. Criteria: ARUP Molecular Germline Variant Investigation Process 2024. Collection method: clinical testing. Allele origin: germline.

GeneDx
Classification: Benign. Last evaluated: 2020-07-12. Review status: criteria provided, single submitter. Criteria: GeneDx Variant Classification Process June 2021. Collection method: clinical testing. Allele origin: germline. Affected: yes.

Illumina Laboratory Services, Illumina
Classification: Benign for Primary ciliary dyskinesia 14. Last evaluated: 2018-01-13. Review status: criteria provided, single submitter. Criteria: ICSL Variant Classification Criteria 13 December 2019. Collection method: clinical testing. Allele origin: germline.
Comment: This variant was observed in the ICSL laboratory as part of a predisposition screen in an ostensibly healthy population. It had not been previously curated by ICSL or reported in the Human Gene Mutation Database (HGMD: prior to June 1st, 2018), and was therefore a candidate for classification through an automated scoring system. Utilizing variant allele frequency, disease prevalence and penetrance estimates, and inheritance mode, an automated score was calculated to assess if this variant is too frequent to cause the disease. Based on the score and internal cut-off values, a variant classified as benign is not then subjected to further curation. The score for this variant resulted in a classification of benign for this disease.

Breakthrough Genomics
Classification: Benign. Review status: criteria provided, single submitter. Criteria: ACMG Guidelines, 2015. Collection method: not provided. Allele origin: germline. Inheritance: Autosomal recessive inheritance. Affected: yes.

PreventionGenetics, part of Exact Sciences
Classification: Benign. Review status: criteria provided, single submitter. Criteria: ACMG Guidelines, 2015. Collection method: clinical testing. Allele origin: germline.